The following is an entry in ClinVar:

ClinVar aggregate classification (germline): Pathogenic (1 of 4 stars; one submission).

Submission:

Labcorp Genetics (formerly Invitae), Labcorp
Classification: Pathogenic. Last evaluated: 2024-01-30. Review status: criteria provided, single submitter. Criteria: Invitae Variant Classification Sherloc (09022015). Collection method: clinical testing. Allele origin: germline.
Comment: This sequence change creates a premature translational stop signal (p.Trp302Leufs*11) in the LAMB3 gene. It is expected to result in an absent or disrupted protein product. Loss-of-function variants in LAMB3 are known to be pathogenic (PMID: 11023379, 16473856). This variant is present in population databases (no rsID available, gnomAD 0.006%). This variant has not been reported in the literature in individuals affected with LAMB3-related conditions. For these reasons, this variant has been classified as Pathogenic.

Literature cited by the submitters: PubMed 11023379; PubMed 16473856.

NM_000228.3(LAMB3):c.903dup (p.Trp302fs)

Gene: LAMB3 (laminin subunit beta 3; minus strand). Cytogenetic location: 1q32.2.
Variant type: Duplication.
Coding change: c.903dup on transcript NM_000228.3 (MANE Select); coding-DNA position 903, one base duplicated (C; older notation c.903dupC).
Protein change: p.Trp302fs; shifts the reading frame from tryptophan 302.
Molecular consequence: frameshift variant.
Genome position (GRCh38, 1-based): chr1:209,630,655, G duplicated on the plus strand (C on the coding strand, the reverse complement: LAMB3 is on the minus strand); the first of 3 consecutive G bases (chr1:209,630,655-209,630,657); duplicating any one gives the same sequence. VCF-style (leftmost placement, unchanged base first): chr1-209630654-A-AG. GRCh37 (hg19) VCF-style: chr1-209803999-A-AG.
Other names: c.903dup, p.Trp302fs (NM_001017402.2, NM_001127641.1); short protein forms W302fs.
Identifiers: ClinVar variation 3011147 (VCV003011147.3), dbSNP rs1229915575, ClinGen allele CA528652861.